The following is an entry in ClinVar:

ClinVar aggregate classification (germline): Uncertain significance. Review status: criteria provided, multiple submitters, no conflicts (2 of 4 stars). 2 submissions from 2 submitters: Uncertain significance (2). Last evaluated 2024-05-28.

Conditions:
Fanconi anemia complementation group J. Also called: BRIP1-Related Fanconi Anemia. Identifiers: Orphanet 84, MedGen C1836860, MONDO:0012187, OMIM 609054.
Familial cancer of breast. Also called: BREAST CANCER, FAMILIAL; Hereditary breast cancer; hereditary breast carcinoma. Identifiers: Orphanet 227535, MedGen C0346153, MONDO:0016419, OMIM 114480. Disease mechanism: loss of function.
Hereditary cancer-predisposing syndrome. Also called: Neoplastic Syndromes, Hereditary; Tumor predisposition; Hereditary neoplastic syndrome; Hereditary Cancer Syndrome. Identifiers: Orphanet 140162, MedGen C0027672, MeSH D009386, MONDO:0015356.

Allele frequency attached by ClinVar (database versions not stated): gnomAD exomes below 0.00001.

Submissions (2):

Labcorp Genetics (formerly Invitae), Labcorp
Classification: Uncertain significance for Familial cancer of breast; Fanconi anemia complementation group J. Last evaluated: 2024-05-28. Review status: criteria provided, single submitter. Criteria: Invitae Variant Classification Sherloc (09022015). Collection method: clinical testing. Allele origin: germline.
Comment: This sequence change replaces serine, which is neutral and polar, with glycine, which is neutral and non-polar, at codon 409 of the BRIP1 protein (p.Ser409Gly). This variant is not present in population databases (gnomAD no frequency). This missense change has been observed in individual(s) with pancreatic ductal adenocarcinoma (PMID: 35171259). ClinVar contains an entry for this variant (Variation ID: 1754059). Advanced modeling of protein sequence and biophysical properties (such as structural, functional, and spatial information, amino acid conservation, physicochemical variation, residue mobility, and thermodynamic stability) performed at Invitae indicates that this missense variant is not expected to disrupt BRIP1 protein function with a negative predictive value of 80%. In summary, the available evidence is currently insufficient to determine the role of this variant in disease. Therefore, it has been classified as a Variant of Uncertain Significance.

Ambry Genetics
Classification: Uncertain significance for Hereditary cancer-predisposing syndrome. Last evaluated: 2022-09-28. Review status: criteria provided, single submitter. Criteria: Ambry Variant Classification Scheme 2023. Collection method: clinical testing. Allele origin: germline.
Comment: The p.S409G variant (also known as c.1225A>G), located in coding exon 8 of the BRIP1 gene, results from an A to G substitution at nucleotide position 1225. The serine at codon 409 is replaced by glycine, an amino acid with similar properties. This amino acid position is not well conserved in available vertebrate species. In addition, this alteration is predicted to be tolerated by in silico analysis. Since supporting evidence is limited at this time, the clinical significance of this alteration remains unclear.

Literature cited by the submitters: PubMed 35171259 (cited by Labcorp Genetics (formerly Invitae), Labcorp).

NM_032043.3(BRIP1):c.1225A>G (p.Ser409Gly)

Gene: BRIP1 (BRCA1 interacting DNA helicase 1; minus strand). Cytogenetic location: 17q23.2.
Variant type: single nucleotide variant.
Coding change: c.1225A>G on transcript NM_032043.3 (MANE Select); coding-DNA position 1225, A replaced by G.
Protein change: p.Ser409Gly; replaces serine 409 with glycine.
Molecular consequence: missense variant.
Genome position (GRCh38, 1-based): chr17:61,799,215, T>C on the plus strand (A>G on the coding strand, the complement: BRIP1 is on the minus strand). VCF-style: chr17-61799215-T-C. GRCh37 (hg19) VCF-style: chr17-59876576-T-C.
Other names: short protein forms S409G.
Identifiers: ClinVar variation 1754059 (VCV001754059.7), dbSNP rs2145306044, ClinGen allele CA400483655.